The following is an entry in ClinVar:

NM_001142800.2(EYS):c.1766+2624C>A

Gene: EYS (EGF-like photoreceptor maintenance factor; minus strand). Cytogenetic location: 6q12.
Variant type: single nucleotide variant.
Coding change: c.1766+2624C>A on transcript NM_001142800.2 (MANE Select); 2624 bases into the intron after coding-DNA position 1766, C replaced by A.
Molecular consequence: intron variant. On other transcripts: missense variant (1).
Genome position (GRCh38, 1-based): chr6:65,332,356, G>T on the plus strand (C>A on the coding strand, the complement: EYS is on the minus strand). VCF-style: chr6-65332356-G-T. GRCh37 (hg19) VCF-style: chr6-66042249-G-T.
Other names: c.1828C>A, p.His610Asn (NM_001142801.2); c.1766+2624C>A (NM_001292009.2); short protein forms H610N.
Identifiers: ClinVar variation 4984998 (VCV004984998.1).

ClinVar aggregate classification (germline): Uncertain significance (1 of 4 stars; one submission).

Conditions:
EYS-related disorder. Also called: EYS-related condition.

gnomAD v4.1: 3 of 828,868 alleles (0.00036%); highest among the groups gnomAD compares: African/African-American, 0.0051%; no homozygotes.

Submission:

PreventionGenetics, part of Exact Sciences
Classification: Uncertain significance for EYS-related condition. Last evaluated: 2026-06-22. Review status: criteria provided, single submitter. Criteria: ACMG Guidelines, 2015. Collection method: clinical testing. Allele origin: germline.
Comment: The EYS c.1828C>A variant is predicted to result in the amino acid substitution p.His610Asn. To our knowledge, this variant has not been reported in the literature or in a large population database (gnomAD), indicating this variant is rare. At this time, the clinical significance of this variant is uncertain due to the absence of conclusive functional and genetic evidence.